The following is an entry in ClinVar:

ClinVar aggregate classification (germline): Uncertain significance (1 of 4 stars; one submission).

Allele frequency attached by ClinVar (database versions not stated): gnomAD 0.00001; TOPMed 0.00002.
gnomAD v4.1: 7 of 1,614,076 alleles (0.00043%); highest among the groups gnomAD compares: African/African-American, 0.004%; no homozygotes.

Submission:

Labcorp Genetics (formerly Invitae), Labcorp
Classification: Uncertain significance. Last evaluated: 2022-04-12. Review status: criteria provided, single submitter. Criteria: Invitae Variant Classification Sherloc (09022015). Collection method: clinical testing. Allele origin: germline.
Comment: This sequence change replaces glycine, which is neutral and non-polar, with aspartic acid, which is acidic and polar, at codon 1226 of the ABCA4 protein (p.Gly1226Asp). This variant is present in population databases (no rsID available, gnomAD 0.002%). This variant has not been reported in the literature in individuals affected with ABCA4-related conditions. Advanced modeling of protein sequence and biophysical properties (such as structural, functional, and spatial information, amino acid conservation, physicochemical variation, residue mobility, and thermodynamic stability) performed at Invitae indicates that this missense variant is expected to disrupt ABCA4 protein function. In summary, the available evidence is currently insufficient to determine the role of this variant in disease. Therefore, it has been classified as a Variant of Uncertain Significance.

NM_000350.3(ABCA4):c.3677G>A (p.Gly1226Asp)

Genes: ABCA4 (ATP binding cassette subfamily A member 4; minus strand), LOC126805794 (BRD4-independent group 4 enhancer GRCh37_chr1:94502188-94503387; plus strand). Cytogenetic location: 1p22.1.
Variant type: single nucleotide variant.
Coding change: c.3677G>A on transcript NM_000350.3 (MANE Select); coding-DNA position 3677, G replaced by A.
Protein change: p.Gly1226Asp; replaces glycine 1226 with aspartic acid.
Molecular consequence: missense variant.
Genome position (GRCh38, 1-based): chr1:94,037,281, C>T on the plus strand (G>A on the coding strand, the complement: ABCA4 is on the minus strand). VCF-style: chr1-94037281-C-T. GRCh37 (hg19) VCF-style: chr1-94502837-C-T.
Other names: c.3455G>A, p.Gly1152Asp (NM_001425324.1); short protein forms G1226D, G1152D.
Identifiers: ClinVar variation 2024312 (VCV002024312.2), dbSNP rs929411203, ClinGen allele CA26860236.